The following is an entry in ClinVar:

NM_005720.4(ARPC1B):c.327C>G (p.Asn109Lys)

Gene: ARPC1B (actin related protein 2/3 complex subunit 1B; plus strand). Cytogenetic location: 7q22.1.
Variant type: single nucleotide variant.
Coding change: c.327C>G on transcript NM_005720.4 (MANE Select); coding-DNA position 327, C replaced by G.
Protein change: p.Asn109Lys; replaces asparagine 109 with lysine.
Molecular consequence: missense variant.
Genome position (GRCh38, 1-based): chr7:99,388,196, C>G. VCF-style: chr7-99388196-C-G. GRCh37 (hg19) VCF-style: chr7-98985819-C-G.
Other names: c.327C>G (NM_005720.3); short protein forms N109K.
Identifiers: ClinVar variation 1439764 (VCV001439764.7), dbSNP rs1393688813, ClinGen allele CA368319191.

ClinVar aggregate classification (germline): Uncertain significance. Review status: criteria provided, multiple submitters, no conflicts (2 of 4 stars). 2 submissions from 2 submitters: Uncertain significance (2). Last evaluated 2024-05-29.

Conditions:
Inborn genetic diseases. Identifiers: MedGen C0950123, MeSH D030342.

gnomAD v4.1: 1 of 1,614,240 alleles (0.000062%); no homozygotes.

Submissions (2):

Ambry Genetics
Classification: Uncertain significance for Inborn genetic diseases. Last evaluated: 2024-05-29. Review status: criteria provided, single submitter. Criteria: Ambry Variant Classification Scheme 2023. Collection method: clinical testing. Allele origin: germline.

Labcorp Genetics (formerly Invitae), Labcorp
Classification: Uncertain significance. Last evaluated: 2022-07-25. Review status: criteria provided, single submitter. Criteria: Invitae Variant Classification Sherloc (09022015). Collection method: clinical testing. Allele origin: germline.
Comment: In summary, the available evidence is currently insufficient to determine the role of this variant in disease. Therefore, it has been classified as a Variant of Uncertain Significance. Algorithms developed to predict the effect of missense changes on protein structure and function (SIFT, PolyPhen-2, Align-GVGD) all suggest that this variant is likely to be tolerated. ClinVar contains an entry for this variant (Variation ID: 1439764). This variant has not been reported in the literature in individuals affected with ARPC1B-related conditions. This variant is not present in population databases (gnomAD no frequency). This sequence change replaces asparagine, which is neutral and polar, with lysine, which is basic and polar, at codon 109 of the ARPC1B protein (p.Asn109Lys).